The following is an entry in ClinVar:

ClinVar aggregate classification (germline): Pathogenic. Review status: criteria provided, multiple submitters, no conflicts (2 of 4 stars). 2 submissions from 2 submitters: Pathogenic (2). Last evaluated 2026-04-14.

Conditions:
Benign recurrent intrahepatic cholestasis type 2 (BRIC2). Also called: Recurrent familial intrahepatic cholestasis 2. Identifiers: Orphanet 65682, Orphanet 99961, MedGen C2608083, MONDO:0011559, OMIM 605479.
Familial intrahepatic cholestasis. Identifiers: Orphanet 284385, MedGen CN296401, MONDO:0017290.

Submissions (2):

Genomenon, Inc
Classification: Pathogenic for Familial intrahepatic cholestasis. Last evaluated: 2026-04-14. Review status: criteria provided, single submitter. Criteria: Genomenon Sequence Variant Interpretation Standards - Updated. Collection method: curation. Allele origin: germline. Affected: yes.
Comment: ABCB11 p.Gln361Ter (c.1081C>T) is a nonsense variant that introduces a premature stop codon at amino acid position 361, creating a truncated protein that is predicted to undergo nonsense-mediated mRNA decay. This variant has been observed in at least one proband with an ABCB11-related disorder (PMID:34828443;32793533). It is absent or not present at a significant frequency in gnomAD. In conclusion, we classify ABCB11 p.Gln361Ter (c.1081C>T) as a pathogenic variant.

Baylor Genetics
Classification: Pathogenic for Benign recurrent intrahepatic cholestasis type 2. Last evaluated: 2023-10-05. Review status: criteria provided, single submitter. Criteria: ACMG Guidelines, 2015. Collection method: clinical testing. Allele origin: unknown.

Literature cited by the submitters: PubMed 34828443 (cited by Genomenon, Inc); PubMed 32793533 (cited by Genomenon, Inc).

NM_003742.4(ABCB11):c.1081C>T (p.Gln361Ter)

Gene: ABCB11 (ATP binding cassette subfamily B member 11; minus strand). Cytogenetic location: 2q31.1.
Variant type: single nucleotide variant.
Coding change: c.1081C>T on transcript NM_003742.4 (MANE Select); coding-DNA position 1081, C replaced by T.
Protein change: p.Gln361Ter; replaces glutamine 361 with a stop codon.
Molecular consequence: nonsense.
Genome position (GRCh38, 1-based): chr2:168,986,112, G>A on the plus strand (C>T on the coding strand, the complement: ABCB11 is on the minus strand). VCF-style: chr2-168986112-G-A. GRCh37 (hg19) VCF-style: chr2-169842622-G-A.
Other names: short protein forms Q361*.
Identifiers: ClinVar variation 2679521 (VCV002679521.2), dbSNP rs2545431362, ClinGen allele CA349123803.